The following is an entry in ClinVar:

NM_001378454.1(ALMS1):c.2074G>T (p.Ala692Ser)

Gene: ALMS1 (ALMS1 centrosome and basal body associated protein; plus strand). Cytogenetic location: 2p13.1.
Variant type: single nucleotide variant.
Coding change: c.2074G>T on transcript NM_001378454.1 (MANE Select); coding-DNA position 2074, G replaced by T.
Protein change: p.Ala692Ser; replaces alanine 692 with serine.
Molecular consequence: missense variant.
Genome position (GRCh38, 1-based): chr2:73,448,601, G>T. VCF-style: chr2-73448601-G-T. GRCh37 (hg19) VCF-style: chr2-73675728-G-T.
Other names: c.2077G>T, p.Ala693Ser (NM_015120.4); short protein forms A692S, A693S.
Identifiers: ClinVar variation 1429955 (VCV001429955.3), dbSNP rs1309166073, ClinGen allele CA347266572.

ClinVar aggregate classification (germline): Uncertain significance (1 of 4 stars; one submission).

Conditions:
Alstrom syndrome (ALMS). Identifiers: Orphanet 64, MedGen C0268425, MONDO:0008763, OMIM 203800.

Allele frequency attached by ClinVar (database versions not stated): gnomAD exomes below 0.00001.
gnomAD v4.1: 4 of 1,613,300 alleles (0.00025%); highest among the groups gnomAD compares: South Asian, 0.0022%; no homozygotes.

Submission:

Labcorp Genetics (formerly Invitae), Labcorp
Classification: Uncertain significance for Alstrom syndrome. Last evaluated: 2022-02-10. Review status: criteria provided, single submitter. Criteria: Invitae Variant Classification Sherloc (09022015). Collection method: clinical testing. Allele origin: germline.
Comment: This sequence change replaces alanine with serine at codon 693 of the ALMS1 protein (p.Ala693Ser). The alanine residue is weakly conserved and there is a moderate physicochemical difference between alanine and serine. This variant is present in population databases (no rsID available, gnomAD 0.0009%). This variant has not been reported in the literature in individuals affected with ALMS1-related conditions. Experimental studies and prediction algorithms are not available or were not evaluated, and the functional significance of this variant is currently unknown. In summary, the available evidence is currently insufficient to determine the role of this variant in disease. Therefore, it has been classified as a Variant of Uncertain Significance.